The following is an entry in ClinVar:

NM_000154.2(GALK1):c.552C>G (p.Ile184Met)

Gene: GALK1 (galactokinase 1; minus strand). Cytogenetic location: 17q25.1.
Variant type: single nucleotide variant.
Coding change: c.552C>G on transcript NM_000154.2 (MANE Select); coding-DNA position 552, C replaced by G.
Protein change: p.Ile184Met; replaces isoleucine 184 with methionine.
Molecular consequence: missense variant.
Genome position (GRCh38, 1-based): chr17:75,763,073, G>C on the plus strand (C>G on the coding strand, the complement: GALK1 is on the minus strand). VCF-style: chr17-75763073-G-C. GRCh37 (hg19) VCF-style: chr17-73759154-G-C.
Other names: c.552C>G, p.Ile184Met (NM_001381985.1); short protein forms I184M.
Identifiers: ClinVar variation 1698495 (VCV001698495.3), dbSNP rs773416476, ClinGen allele CA8770909.
Genomic context (GRCh38, chr17:75,763,073, plus strand): 5'-CCTGCAGTCAATGAGCAGCGCGTGGCCTTTCTGTCCCATAAGTGAGATGAACTGGTCCAT[G>C]ATGCCACAGGGCATCCCTGCGAAGCTGTGCTCGGCCTGCTGACACACCTGGGCGCGGGCA-3'
Protein context (NP_000145.1, residues 174-194): EHSFAGMPCG[Ile184Met]MDQFISLMGQ

ClinVar aggregate classification (germline): Uncertain significance. Review status: criteria provided, multiple submitters, no conflicts (2 of 4 stars). 2 submissions from 2 submitters: Uncertain significance (2). Last evaluated 2022-06-07.

Conditions:
Deficiency of galactokinase. Also called: GALACTOSEMIA II; Galactokinase deficiency with cataracts. Identifiers: Orphanet 352, Orphanet 79237, MedGen C0268155, MONDO:0009255, OMIM 230200.

Allele frequency attached by ClinVar (database versions not stated): gnomAD 0.00003; gnomAD exomes 0.00003 and 0.00004; TOPMed 0.00003; ExAC 0.00004.
gnomAD v4.1: 53 of 1,612,962 alleles (0.0033%); highest among the groups gnomAD compares: Middle Eastern, 0.082%; no homozygotes.

Submissions (2):

Women's Health and Genetics/Laboratory Corporation of America, LabCorp
Classification: Uncertain significance. Last evaluated: 2022-06-07. Review status: criteria provided, single submitter. Criteria: LabCorp Variant Classification Summary - May 2015. Collection method: clinical testing. Allele origin: germline.
Comment: Variant summary: GALK1 c.552C>G (p.Ile184Met) results in a conservative amino acid change located in the GHMP kinase N-terminal domain (IPR006204) of the encoded protein sequence. Four of five in-silico tools predict a damaging effect of the variant on protein function. The variant allele was found at a frequency of 4.4e-05 in 250458 control chromosomes (gnomAD, Maraini_2003). This frequency is not significantly higher than expected for a pathogenic variant in GALK1 causing Deficiency Of Galactokinase (4.4e-05 vs 0.0011), allowing no conclusion about variant significance. To our knowledge, no occurrence of c.552C>G in individuals affected with Deficiency Of Galactokinase and no experimental evidence demonstrating an impact on protein function have been reported. No clinical diagnostic laboratories have submitted clinical-significance assessments for this variant to ClinVar after 2014. Based on the evidence outlined above, the variant was classified as uncertain significance.

Labcorp Genetics (formerly Invitae), Labcorp
Classification: Uncertain significance for Deficiency of galactokinase. Last evaluated: 2022-02-08. Review status: criteria provided, single submitter. Criteria: Invitae Variant Classification Sherloc (09022015). Collection method: clinical testing. Allele origin: germline.
Comment: This sequence change replaces isoleucine, which is neutral and non-polar, with methionine, which is neutral and non-polar, at codon 184 of the GALK1 protein (p.Ile184Met). This variant is present in population databases (rs773416476, gnomAD 0.01%). This variant has not been reported in the literature in individuals affected with GALK1-related conditions. Algorithms developed to predict the effect of missense changes on protein structure and function are either unavailable or do not agree on the potential impact of this missense change (SIFT: "Deleterious"; PolyPhen-2: "Probably Damaging"; Align-GVGD: "Class C0"). In summary, the available evidence is currently insufficient to determine the role of this variant in disease. Therefore, it has been classified as a Variant of Uncertain Significance.

Literature cited by the submitters: PubMed 12942049 (cited by Women's Health and Genetics/Laboratory Corporation of America, LabCorp).